The following is an entry in ClinVar:

ClinVar aggregate classification (germline): Uncertain significance. Review status: criteria provided, multiple submitters, no conflicts (2 of 4 stars). 2 submissions from 2 submitters: Uncertain significance (2). Last evaluated 2026-07-06.

Conditions:
Hereditary cancer-predisposing syndrome. Also called: Neoplastic Syndromes, Hereditary; Hereditary Cancer Syndrome; Tumor predisposition; Hereditary neoplastic syndrome. Identifiers: Orphanet 140162, MedGen C0027672, MeSH D009386, MONDO:0015356.
Familial thoracic aortic aneurysm and aortic dissection (TAAD). Also called: Thoracic aortic aneurysms and dissections. Identifiers: Orphanet 91387, MedGen C4707243, MONDO:0019625.
Juvenile polyposis syndrome (JPS). Identifiers: Orphanet 2929, MedGen C0345893, MONDO:0017380, OMIM 174900.

Submissions (2):

Ambry Genetics
Classification: Uncertain significance for Hereditary cancer-predisposing syndrome; Familial thoracic aortic aneurysm and aortic dissection. Last evaluated: 2026-07-06. Review status: criteria provided, single submitter. Criteria: Ambry Variant Classification Scheme 2023. Collection method: clinical testing. Allele origin: germline.
Comment: The p.H132Y variant (also known as c.394C>T), located in coding exon 2 of the SMAD4 gene, results from a C to T substitution at nucleotide position 394. The histidine at codon 132 is replaced by tyrosine, an amino acid with similar properties. This alteration has been observed in at least one individual with a personal and/or family history that is consistent with SMAD4-related disease (Ambry internal data). Based on internal structural analysis, H132Y disrupts a conserved zinc-binding site which is important to structural stability and DNA-binding (Ambry internal data; Chai J et al. J Biol Chem, 2003 May;278:20327-31; BabuRajendran N et al. Nucleic Acids Res, 2010 Jun;38:3477-88; Martin-Malpartida P et al. Nat Commun, 2017 12;8:2070). This amino acid position is highly conserved in available vertebrate species. In addition, this alteration is predicted to be deleterious by in silico analysis. Based on the available evidence, the clinical significance of this variant remains unclear.

Labcorp Genetics (formerly Invitae), Labcorp
Classification: Uncertain significance for Juvenile polyposis syndrome. Last evaluated: 2024-05-07. Review status: criteria provided, single submitter. Criteria: Invitae Variant Classification Sherloc (09022015). Collection method: clinical testing. Allele origin: germline.
Comment: This sequence change replaces histidine, which is basic and polar, with tyrosine, which is neutral and polar, at codon 132 of the SMAD4 protein (p.His132Tyr). This variant is not present in population databases (gnomAD no frequency). This variant has not been reported in the literature in individuals affected with SMAD4-related conditions. ClinVar contains an entry for this variant (Variation ID: 405501). Advanced modeling of protein sequence and biophysical properties (such as structural, functional, and spatial information, amino acid conservation, physicochemical variation, residue mobility, and thermodynamic stability) has been performed at Invitae for this missense variant, however the output from this modeling did not meet the statistical confidence thresholds required to predict the impact of this variant on SMAD4 protein function. In summary, the available evidence is currently insufficient to determine the role of this variant in disease. Therefore, it has been classified as a Variant of Uncertain Significance.

Literature cited by the submitters: PubMed 12686552 (cited by Ambry Genetics); PubMed 20147459 (cited by Ambry Genetics); PubMed 29234012 (cited by Ambry Genetics).

NM_005359.6(SMAD4):c.394C>T (p.His132Tyr)

Gene: SMAD4 (SMAD family member 4; plus strand). Cytogenetic location: 18q21.2.
Variant type: single nucleotide variant.
Coding change: c.394C>T on transcript NM_005359.6 (MANE Select); coding-DNA position 394, C replaced by T.
Protein change: p.His132Tyr; replaces histidine 132 with tyrosine.
Molecular consequence: missense variant.
Genome position (GRCh38, 1-based): chr18:51,048,830, C>T. VCF-style: chr18-51048830-C-T. GRCh37 (hg19) VCF-style: chr18-48575200-C-T.
Other names: short protein forms H132Y.
Identifiers: ClinVar variation 405501 (VCV000405501.14), dbSNP rs1060500743, ClinGen allele CA16615827.